The following is an entry in ClinVar:

NM_172240.3(POC1B):c.714T>C (p.Pro238=)

Genes: POC1B (POC1 centriolar protein B; minus strand), POC1B-DUSP6 (POC1B-DUSP6 readthrough; minus strand). Cytogenetic location: 12q21.33.
Variant type: single nucleotide variant.
Coding change: c.714T>C on transcript NM_172240.3 (MANE Select); coding-DNA position 714, T replaced by C.
Protein change: p.Pro238=; no amino-acid change (proline 238 retained).
Molecular consequence: synonymous variant. On other transcripts: non-coding transcript variant (2).
Genome position (GRCh38, 1-based): chr12:89,470,457, A>G on the plus strand (T>C on the coding strand, the complement: POC1B is on the minus strand). VCF-style: chr12-89470457-A-G. GRCh37 (hg19) VCF-style: chr12-89864234-A-G.
Other names: c.588T>C, p.Pro196= (NM_001199777.2); c.714T>C (NM_172240.2).
Identifiers: ClinVar variation 1554575 (VCV001554575.9), dbSNP rs1210458052, ClinGen allele CA481053542.

ClinVar aggregate classification (germline): Likely benign. Review status: criteria provided, multiple submitters, no conflicts (2 of 4 stars). 2 submissions from 2 submitters: Likely benign (2). Last evaluated 2026-02-18.

Conditions:
POC1B-related disorder. Also called: POC1B-related condition.

Allele frequency attached by ClinVar (database versions not stated): TOPMed below 0.00001; gnomAD exomes 0.00001.
gnomAD v4.1: 3 of 1,607,888 alleles (0.00019%); highest among the groups gnomAD compares: Admixed American, 0.0017%; no homozygotes.

Submissions (2):

PreventionGenetics, part of Exact Sciences
Classification: Likely benign for POC1B-related condition. Last evaluated: 2026-02-18. Review status: criteria provided, single submitter. Criteria: ACMG Guidelines, 2015. Collection method: clinical testing. Allele origin: germline.
Comment: This variant is classified as likely benign based on ACMG/AMP sequence variant interpretation guidelines (Richards et al. 2015 PMID: 25741868, with internal and published modifications).

Labcorp Genetics (formerly Invitae), Labcorp
Classification: Likely benign. Last evaluated: 2024-04-22. Review status: criteria provided, single submitter. Criteria: Invitae Variant Classification Sherloc (09022015). Collection method: clinical testing. Allele origin: germline.